The following is an entry in ClinVar:

NM_000548.5(TSC2):c.3313A>G (p.Thr1105Ala)

Gene: TSC2 (TSC complex subunit 2; plus strand). Cytogenetic location: 16p13.3.
Variant type: single nucleotide variant.
Coding change: c.3313A>G on transcript NM_000548.5 (MANE Select); coding-DNA position 3313, A replaced by G.
Protein change: p.Thr1105Ala; replaces threonine 1105 with alanine.
Molecular consequence: missense variant.
Genome position (GRCh38, 1-based): chr16:2,079,585, A>G. VCF-style: chr16-2079585-A-G. GRCh37 (hg19) VCF-style: chr16-2129586-A-G.
Other names: c.3184A>G, p.Thr1062Ala (NM_021055.3, NM_001363528.2, NM_001370405.1); c.3181A>G, p.Thr1061Ala (NM_001077183.3, NM_001370404.1); c.3313A>G, p.Thr1105Ala (NM_001114382.3); c.3073A>G, p.Thr1025Ala (NM_001318827.2); c.3037A>G, p.Thr1013Ala (NM_001318829.2); c.2581A>G, p.Thr861Ala (NM_001318831.2); c.3214A>G, p.Thr1072Ala (NM_001318832.2); short protein forms T1105A, T1013A, T1025A, T1061A, T861A, T1062A, T1072A.
Identifiers: ClinVar variation 840705 (VCV000840705.10), dbSNP rs2089870323, ClinGen allele CA394286571.

ClinVar aggregate classification (germline): Uncertain significance. Review status: criteria provided, multiple submitters, no conflicts (2 of 4 stars). 2 submissions from 2 submitters: Uncertain significance (2). Last evaluated 2025-07-31.

Conditions:
Hereditary cancer-predisposing syndrome. Also called: Neoplastic Syndromes, Hereditary; Hereditary neoplastic syndrome; Tumor predisposition; Hereditary Cancer Syndrome. Identifiers: Orphanet 140162, MedGen C0027672, MeSH D009386, MONDO:0015356.
Tuberous sclerosis 2 (TSC2). Identifiers: Orphanet 805, MedGen C1860707, MONDO:0013199, OMIM 613254.

Submissions (2):

Labcorp Genetics (formerly Invitae), Labcorp
Classification: Uncertain significance for Tuberous sclerosis 2. Last evaluated: 2025-07-31. Review status: criteria provided, single submitter. Criteria: Invitae Variant Classification Sherloc (09022015). Collection method: clinical testing. Allele origin: germline.
Comment: This sequence change replaces threonine, which is neutral and polar, with alanine, which is neutral and non-polar, at codon 1105 of the TSC2 protein (p.Thr1105Ala). This variant is not present in population databases (gnomAD no frequency). This variant has not been reported in the literature in individuals affected with TSC2-related conditions. ClinVar contains an entry for this variant (Variation ID: 840705). Invitae Evidence Modeling of protein sequence and biophysical properties (such as structural, functional, and spatial information, amino acid conservation, physicochemical variation, residue mobility, and thermodynamic stability) indicates that this missense variant is not expected to disrupt TSC2 protein function with a negative predictive value of 95%. In summary, the available evidence is currently insufficient to determine the role of this variant in disease. Therefore, it has been classified as a Variant of Uncertain Significance.

Ambry Genetics
Classification: Uncertain significance for Hereditary cancer-predisposing syndrome. Last evaluated: 2024-03-10. Review status: criteria provided, single submitter. Criteria: Ambry Variant Classification Scheme 2023. Collection method: clinical testing. Allele origin: germline.
Comment: The p.T1105A variant (also known as c.3313A>G), located in coding exon 28 of the TSC2 gene, results from an A to G substitution at nucleotide position 3313. The threonine at codon 1105 is replaced by alanine, an amino acid with similar properties. This amino acid position is conserved. In addition, the in silico prediction for this alteration is inconclusive. Based on the available evidence, the clinical significance of this alteration remains unclear.